The following is an entry in ClinVar:

NM_130837.3(OPA1):c.2008C>T (p.His670Tyr)

Gene: OPA1 (OPA1 mitochondrial dynamin like GTPase; plus strand). Cytogenetic location: 3q29.
Variant type: single nucleotide variant.
Coding change: c.2008C>T on transcript NM_130837.3 (MANE Select); coding-DNA position 2008, C replaced by T.
Protein change: p.His670Tyr; replaces histidine 670 with tyrosine.
Molecular consequence: missense variant.
Genome position (GRCh38, 1-based): chr3:193,648,867, C>T. VCF-style: chr3-193648867-C-T. GRCh37 (hg19) VCF-style: chr3-193366656-C-T.
Other names: c.1474C>T, p.His492Tyr (NM_001354663.2); c.1471C>T, p.His491Tyr (NM_001354664.2); c.1843C>T, p.His615Tyr (NM_015560.3); c.1735C>T, p.His579Tyr (NM_130831.3); c.1789C>T, p.His597Tyr (NM_130832.3); c.1846C>T, p.His616Tyr (NM_130833.3); c.1897C>T, p.His633Tyr (NM_130834.3); c.1900C>T, p.His634Tyr (NM_130835.3); and 1 more; short protein forms H491Y, H652Y, H616Y, H634Y, H579Y, H615Y, H670Y, H492Y.
Identifiers: ClinVar variation 4745597 (VCV004745597.1).

ClinVar aggregate classification (germline): Uncertain significance (1 of 4 stars; one submission).

gnomAD v4.1: 3 of 1,591,060 alleles (0.00019%); highest among the groups gnomAD compares: Non-Finnish European, 0.00026%; no homozygotes.

Submission:

Labcorp Genetics (formerly Invitae), Labcorp
Classification: Uncertain significance. Last evaluated: 2025-10-11. Review status: criteria provided, single submitter. Criteria: Invitae Variant Classification Sherloc (09022015). Collection method: clinical testing. Allele origin: germline.
Comment: This sequence change replaces histidine, which is basic and polar, with tyrosine, which is neutral and polar, at codon 615 of the OPA1 protein (p.His615Tyr). This variant is not present in population databases (gnomAD no frequency). This variant has not been reported in the literature in individuals affected with OPA1-related conditions. Invitae Evidence Modeling of protein sequence and biophysical properties (such as structural, functional, and spatial information, amino acid conservation, physicochemical variation, residue mobility, and thermodynamic stability) indicates that this missense variant is not expected to disrupt OPA1 protein function with a negative predictive value of 80%. In summary, the available evidence is currently insufficient to determine the role of this variant in disease. Therefore, it has been classified as a Variant of Uncertain Significance.